The following is an entry in ClinVar:

NM_001346810.2(DLGAP2):c.156G>A (p.Pro52=)

Gene: DLGAP2 (DLG associated protein 2; plus strand). Cytogenetic location: 8p23.3.
Variant type: single nucleotide variant.
Coding change: c.156G>A on transcript NM_001346810.2 (MANE Select); coding-DNA position 156, G replaced by A.
Protein change: p.Pro52=; no amino-acid change (proline 52 retained).
Molecular consequence: synonymous variant.
Genome position (GRCh38, 1-based): chr8:1,501,415, G>A. VCF-style: chr8-1501415-G-A. GRCh37 (hg19) VCF-style: chr8-1449581-G-A.
Identifiers: ClinVar variation 4988827 (VCV004988827.1).
Genomic context (GRCh38, chr8:1,501,415, plus strand): 5'-TGTCTTTGCAGAGGAAGAAGCTGGAGACTTGGTCCAGCCGGGCATCAGCTTTCCGGGGCC[G>A]GCAGAGGAGGATCTAGGTAGAGTACAGACGTCAGCCCCGCTCTGGCGGGGCCCGGACAGA-3'
Protein context (NP_001333739.1, residues 42-62): LVQPGISFPG[Pro52=]AEEDLDPQYS

ClinVar aggregate classification (germline): Likely benign (1 of 4 stars; one submission).

Conditions:
DLGAP2-related disorder. Also called: DLGAP2-related condition.

gnomAD v4.1: 26 of 1,535,638 alleles (0.0017%); highest among the groups gnomAD compares: Middle Eastern, 0.05%; no homozygotes.

Submission:

PreventionGenetics, part of Exact Sciences
Classification: Likely benign for DLGAP2-related condition. Last evaluated: 2026-01-21. Review status: criteria provided, single submitter. Criteria: ACMG Guidelines, 2015. Collection method: clinical testing. Allele origin: germline.
Comment: This variant is classified as likely benign based on ACMG/AMP sequence variant interpretation guidelines (Richards et al. 2015 PMID: 25741868, with internal and published modifications).